The following is an entry in ClinVar:

ClinVar aggregate classification (germline): Uncertain significance (1 of 4 stars; one submission).

Conditions:
Neuropathy, hereditary sensory, type 2C. Also called: KIF1A-Related HSAN2 (HSAN2C); Hereditary sensory and autonomic neuropathy type IIC. Identifiers: Orphanet 970, MedGen C3280168, MONDO:0013634, OMIM 614213.
Intellectual disability, autosomal dominant 9 (NESCAVS). Also called: NESCAV SYNDROME; KIF1A-Related Neurodevelopmental Disorder. Identifiers: Orphanet 662367, MedGen C5393830, MONDO:0013656, OMIM 614255.
Hereditary spastic paraplegia 30. Identifiers: Orphanet 101010, MedGen C5235139, MONDO:0012476.

Allele frequency attached by ClinVar (database versions not stated): gnomAD exomes below 0.00001.
gnomAD v4.1: 1 of 1,553,368 alleles (0.000064%); highest among the groups gnomAD compares: Non-Finnish European, 0.000087%; no homozygotes.

Submission:

Labcorp Genetics (formerly Invitae), Labcorp
Classification: Uncertain significance for Hereditary spastic paraplegia 30; Neuropathy, hereditary sensory, type 2C; Intellectual disability, autosomal dominant 9. Last evaluated: 2024-02-17. Review status: criteria provided, single submitter. Criteria: Invitae Variant Classification Sherloc (09022015). Collection method: clinical testing. Allele origin: germline.
Comment: This sequence change replaces valine, which is neutral and non-polar, with alanine, which is neutral and non-polar, at codon 1352 of the KIF1A protein (p.Val1352Ala). This variant is not present in population databases (gnomAD no frequency). This variant has not been reported in the literature in individuals affected with KIF1A-related conditions. ClinVar contains an entry for this variant (Variation ID: 648254). Advanced modeling of protein sequence and biophysical properties (such as structural, functional, and spatial information, amino acid conservation, physicochemical variation, residue mobility, and thermodynamic stability) performed at Invitae indicates that this missense variant is not expected to disrupt KIF1A protein function with a negative predictive value of 95%. In summary, the available evidence is currently insufficient to determine the role of this variant in disease. Therefore, it has been classified as a Variant of Uncertain Significance.

NM_001244008.2(KIF1A):c.4358T>C (p.Val1453Ala)

Gene: KIF1A (kinesin family member 1A; minus strand). Cytogenetic location: 2q37.3.
Variant type: single nucleotide variant.
Coding change: c.4358T>C on transcript NM_001244008.2 (MANE Select); coding-DNA position 4358, T replaced by C.
Protein change: p.Val1453Ala; replaces valine 1453 with alanine.
Molecular consequence: missense variant.
Genome position (GRCh38, 1-based): chr2:240,723,519, A>G on the plus strand (T>C on the coding strand, the complement: KIF1A is on the minus strand). VCF-style: chr2-240723519-A-G. GRCh37 (hg19) VCF-style: chr2-241662936-A-G.
Other names: c.4082T>C, p.Val1361Ala (NM_001320705.2, NM_001379649.1); c.4109T>C, p.Val1370Ala (NM_001330289.2); c.4157T>C, p.Val1386Ala (NM_001330290.2, NM_001379648.1); c.4433T>C, p.Val1478Ala (NM_001379631.1); c.4334T>C, p.Val1445Ala (NM_001379632.1); c.4331T>C, p.Val1444Ala (NM_001379633.1, NM_001379645.1); c.4184T>C, p.Val1395Ala (NM_001379634.1); c.4181T>C, p.Val1394Ala (NM_001379635.1, NM_001379646.1); and 7 more; short protein forms V1361A, V1386A, V1352A, V1370A, V1453A, V1351A, V1360A, V1369A.
Identifiers: ClinVar variation 648254 (VCV000648254.9), dbSNP rs1575521876, ClinGen allele CA351305492.